The following is an entry in ClinVar:

ClinVar aggregate classification (germline): Benign/Likely benign. Review status: criteria provided, multiple submitters, no conflicts (2 of 4 stars). 3 submissions from 3 submitters: Benign (1); Likely benign (2). Last evaluated 2025-05-30.

Conditions:
Tuberous sclerosis 2 (TSC2). Identifiers: Orphanet 805, MedGen C1860707, MONDO:0013199, OMIM 613254.
Hereditary cancer-predisposing syndrome. Also called: Hereditary neoplastic syndrome; Tumor predisposition; Neoplastic Syndromes, Hereditary; Hereditary Cancer Syndrome. Identifiers: Orphanet 140162, MedGen C0027672, MeSH D009386, MONDO:0015356.

Submissions (3):

Myriad Genetics, Inc.
Classification: Benign for Tuberous sclerosis 2. Last evaluated: 2025-05-30. Review status: criteria provided, single submitter. Criteria: Myriad Autosomal Dominant, Autosomal Recessive and X-Linked Classification Criteria (2023). Collection method: clinical testing. Allele origin: unknown.
Comment: This variant is considered benign. This variant is a silent/synonymous amino acid change and it is not expected to impact splicing.

Labcorp Genetics (formerly Invitae), Labcorp
Classification: Likely benign for Tuberous sclerosis 2. Last evaluated: 2024-12-15. Review status: criteria provided, single submitter. Criteria: Invitae Variant Classification Sherloc (09022015). Collection method: clinical testing. Allele origin: germline.

Ambry Genetics
Classification: Likely benign for Hereditary cancer-predisposing syndrome. Last evaluated: 2022-07-19. Review status: criteria provided, single submitter. Criteria: Ambry Variant Classification Scheme 2023. Collection method: clinical testing. Allele origin: germline.

NM_000548.5(TSC2):c.3621C>T (p.Ser1207=)

Gene: TSC2 (TSC complex subunit 2; plus strand). Cytogenetic location: 16p13.3.
Variant type: single nucleotide variant.
Coding change: c.3621C>T on transcript NM_000548.5 (MANE Select); coding-DNA position 3621, C replaced by T.
Protein change: p.Ser1207=; no amino-acid change (serine 1207 retained).
Molecular consequence: synonymous variant.
Genome position (GRCh38, 1-based): chr16:2,081,605, C>T. VCF-style: chr16-2081605-C-T. GRCh37 (hg19) VCF-style: chr16-2131606-C-T.
Other names: c.3489C>T, p.Ser1163= (NM_001077183.3, NM_001370404.1); c.3621C>T, p.Ser1207= (NM_001114382.3); c.3381C>T, p.Ser1127= (NM_001318827.2); c.3345C>T, p.Ser1115= (NM_001318829.2); c.2889C>T, p.Ser963= (NM_001318831.2); c.3522C>T, p.Ser1174= (NM_001318832.2); c.3492C>T, p.Ser1164= (NM_001363528.2, NM_001370405.1, NM_021055.3).
Identifiers: ClinVar variation 1145794 (VCV001145794.12), dbSNP rs2151480833, ClinGen allele CA493042974.